The following is an entry in ClinVar:

ClinVar aggregate classification (germline): Uncertain significance (1 of 4 stars; one submission).

Conditions:
Cardiovascular phenotype. Identifiers: MedGen CN230736.

Submission:

Ambry Genetics
Classification: Uncertain significance for Cardiovascular phenotype. Last evaluated: 2025-11-25. Review status: criteria provided, single submitter. Criteria: Ambry Variant Classification Scheme 2023. Collection method: clinical testing. Allele origin: germline.
Comment: The p.S2037F variant (also known as c.6110C>T), located in coding exon 2 of the ZNF469 gene, results from a C to T substitution at nucleotide position 6110. The serine at codon 2037 is replaced by phenylalanine, an amino acid with highly dissimilar properties. This amino acid position is conserved. In addition, this alteration is predicted to be tolerated by in silico analysis. Based on the available evidence, the clinical significance of this variant remains unclear.

NM_001127464.1:c.6110C>T

Gene: ZNF469 (zinc finger protein 469; plus strand).
Variant type: single nucleotide variant.
Identifiers: ClinVar variation 4615524 (VCV004615524.1).